The following is an entry in ClinVar:

NM_000257.4(MYH7):c.2389G>C (p.Ala797Pro)

Genes: MYH7 (myosin heavy chain 7; minus strand), LOC126861898 (BRD4-independent group 4 enhancer GRCh37_chr14:23893609-23894808; plus strand). Cytogenetic location: 14q11.2.
Variant type: single nucleotide variant.
Coding change: c.2389G>C on transcript NM_000257.4 (MANE Select); coding-DNA position 2389, G replaced by C.
Protein change: p.Ala797Pro; replaces alanine 797 with proline.
Molecular consequence: missense variant.
Genome position (GRCh38, 1-based): chr14:23,425,316, C>G on the plus strand (G>C on the coding strand, the complement: MYH7 is on the minus strand). VCF-style: chr14-23425316-C-G. GRCh37 (hg19) VCF-style: chr14-23894525-C-G.
Other names: short protein forms A797P.
Identifiers: ClinVar variation 1476852 (VCV001476852.9), dbSNP rs3218716, ClinGen allele CA389048523.

ClinVar aggregate classification (germline): Conflicting classifications of pathogenicity. Review status: criteria provided, conflicting classifications (1 of 4 stars). 2 submissions from 2 submitters: Pathogenic (1); Uncertain significance (1). Last evaluated 2025-06-09.

Conditions:
Cardiovascular phenotype. Identifiers: MedGen CN230736.
Hypertrophic cardiomyopathy. Also called: HYPERTROPHIC MYOCARDIOPATHY. Identifiers: Orphanet 217569, MedGen C0007194, MeSH D002312, MONDO:0005045, HP:0001639.

Submissions (2):

Labcorp Genetics (formerly Invitae), Labcorp
Classification: Pathogenic for Hypertrophic cardiomyopathy. Last evaluated: 2025-06-09. Review status: criteria provided, single submitter. Criteria: Invitae Variant Classification Sherloc (09022015). Collection method: clinical testing. Allele origin: germline.
Comment: This sequence change replaces alanine, which is neutral and non-polar, with proline, which is neutral and non-polar, at codon 797 of the MYH7 protein (p.Ala797Pro). This variant is not present in population databases (gnomAD no frequency). This missense change has been observed in individuals with hypertrophic cardiomyopathy (PMID: 17125710; internal data). It has also been observed to segregate with disease in related individuals. This variant is found within a region of MYH7 between codons 181 and 937 that contains the majority of the myosin head domain. Missense variants in this region have been shown to be significantly overrepresented in individuals with hypertrophic cardiomyopathy (PMID: 27532257). ClinVar contains an entry for this variant (Variation ID: 1476852). Invitae Evidence Modeling of protein sequence and biophysical properties (such as structural, functional, and spatial information, amino acid conservation, physicochemical variation, residue mobility, and thermodynamic stability) indicates that this missense variant is expected to disrupt MYH7 protein function with a positive predictive value of 95%. This variant disrupts the p.Ala797 amino acid residue in MYH7. Other variant(s) that disrupt this residue have been determined to be pathogenic (PMID: 10521296, 17125710). This suggests that this residue is clinically significant, and that variants that disrupt this residue are likely to be disease-causing. For these reasons, this variant has been classified as Pathogenic.

Ambry Genetics
Classification: Uncertain significance for Cardiovascular phenotype. Last evaluated: 2024-11-12. Review status: criteria provided, single submitter. Criteria: Ambry Variant Classification Scheme 2023. Collection method: clinical testing. Allele origin: germline.
Comment: The p.A797P variant (also known as c.2389G>C), located in coding exon 19 of the MYH7 gene, results from a G to C substitution at nucleotide position 2389. The alanine at codon 797 is replaced by proline, an amino acid with highly similar properties. This alteration is located in the myosin head domain, which contains a statistically significant clustering of pathogenic missense variants (Homburger JR et al. Proc Natl Acad Sci U S A, 2016 06;113:6701-6; Walsh R et al. Genet Med, 2017 02;19:192-203; Ambry internal data). This variant was identified in one or more individuals with features consistent with hypertrophic cardiomyopathy and segregated with disease in at least one family (Laredo R et al. Rev Esp Cardiol, 2006 Oct;59:1008-18; Walsh R et al. Genet Med, 2017 Feb;19:192-203; external communication; Ambry internal data). This amino acid position is poorly conserved in available vertebrate species. In addition, this alteration is predicted to be deleterious by in silico analysis. Based on the available evidence, the clinical significance of this variant remains unclear.

Literature cited by the submitters: PubMed 17125710 (cited by Labcorp Genetics (formerly Invitae), Labcorp and Ambry Genetics); PubMed 27532257 (cited by Labcorp Genetics (formerly Invitae), Labcorp and Ambry Genetics); PubMed 10521296 (cited by Labcorp Genetics (formerly Invitae), Labcorp).